The following is an entry in ClinVar:

NM_000069.3(CACNA1S):c.646G>A (p.Glu216Lys)

Gene: CACNA1S (calcium voltage-gated channel subunit alpha1 S; minus strand). Cytogenetic location: 1q32.1.
Variant type: single nucleotide variant.
Coding change: c.646G>A on transcript NM_000069.3 (MANE Select); coding-DNA position 646, G replaced by A.
Protein change: p.Glu216Lys; replaces glutamic acid 216 with lysine.
Molecular consequence: missense variant.
Genome position (GRCh38, 1-based): chr1:201,091,688, C>T on the plus strand (G>A on the coding strand, the complement: CACNA1S is on the minus strand). VCF-style: chr1-201091688-C-T. GRCh37 (hg19) VCF-style: chr1-201060816-C-T.
Other names: c.646G>A (NM_000069.2); short protein forms E216K.
Identifiers: ClinVar variation 3761132 (VCV003761132.2).

ClinVar aggregate classification (germline): Conflicting classifications of pathogenicity. Review status: criteria provided, conflicting classifications (1 of 4 stars). 2 submissions from 2 submitters: Uncertain significance (1); Likely benign (1). Last evaluated 2025-08-15.

Conditions:
Hypokalemic periodic paralysis, type 1. Also called: Hypokalemic Periodic Paralysis Type 1 (AD); HypoPP. Identifiers: Orphanet 681, MedGen C3714580, MONDO:0042979, OMIM 170400.
Malignant hyperthermia, susceptibility to, 5 (MHS5). Also called: CACNA1S-Related Malignant Hyperthermia Susceptibility. Identifiers: Orphanet 423, MedGen C1866077, MONDO:0011163, OMIM 601887.

gnomAD v4.1: 29 of 1,614,182 alleles (0.0018%); highest among the groups gnomAD compares: South Asian, 0.032%; no homozygotes.

Submissions (2):

GeneDx
Classification: Uncertain significance. Last evaluated: 2025-08-15. Review status: criteria provided, single submitter. Criteria: GeneDx Variant Classification Process June 2021. Collection method: clinical testing. Allele origin: germline. Affected: yes.
Comment: In silico analysis supports that this missense variant has a deleterious effect on protein structure/function; Has not been previously published as pathogenic or benign to our knowledge

Labcorp Genetics (formerly Invitae), Labcorp
Classification: Likely benign for Hypokalemic periodic paralysis, type 1; Malignant hyperthermia, susceptibility to, 5. Last evaluated: 2024-09-17. Review status: criteria provided, single submitter. Criteria: Invitae Variant Classification Sherloc (09022015). Collection method: clinical testing. Allele origin: germline.